The following is an entry in ClinVar:

NM_016006.6(ABHD5):c.508G>T (p.Val170Phe)

Gene: ABHD5 (abhydrolase domain containing 5, lysophosphatidic acid acyltransferase; plus strand). Cytogenetic location: 3p21.33.
Variant type: single nucleotide variant.
Coding change: c.508G>T on transcript NM_016006.6 (MANE Select); coding-DNA position 508, G replaced by T.
Protein change: p.Val170Phe; replaces valine 170 with phenylalanine.
Molecular consequence: missense variant. On other transcripts: non-coding transcript variant (1).
Genome position (GRCh38, 1-based): chr3:43,711,710, G>T. VCF-style: chr3-43711710-G-T. GRCh37 (hg19) VCF-style: chr3-43753202-G-T.
Other names: c.508G>T, p.Val170Phe (NM_001355186.2, NM_001365650.1); c.385G>T, p.Val129Phe (NM_001365649.1); short protein forms V170F, V129F.
Identifiers: ClinVar variation 2087404 (VCV002087404.4), dbSNP rs749652842, ClinGen allele CA2341367.
Genomic context (GRCh38, chr3:43,711,710, plus strand): 5'-CTTTATAGTCTTAGGGTGATTTTACCAAATGAACTTAAATATATTCTTTCCCCCAACAGG[G>T]TTAATCATCTCATTTTAGTGGAGCCTTGGGGTTTCCCTGAACGACCAGACCTTGCTGATC-3'
Protein context (NP_057090.2, residues 160-180): AAYSLKYPSR[Val170Phe]NHLILVEPWG

ClinVar aggregate classification (germline): Uncertain significance (1 of 4 stars; one submission).

Allele frequency attached by ClinVar (database versions not stated): gnomAD 0.00001; ExAC 0.00003; gnomAD exomes 0.00003.
gnomAD v4.1: 21 of 1,613,966 alleles (0.0013%); highest among the groups gnomAD compares: East Asian, 0.04%; no homozygotes.

Submission:

Labcorp Genetics (formerly Invitae), Labcorp
Classification: Uncertain significance. Last evaluated: 2022-04-30. Review status: criteria provided, single submitter. Criteria: Invitae Variant Classification Sherloc (09022015). Collection method: clinical testing. Allele origin: germline.
Comment: This variant has not been reported in the literature in individuals affected with ABHD5-related conditions. This sequence change replaces valine, which is neutral and non-polar, with phenylalanine, which is neutral and non-polar, at codon 170 of the ABHD5 protein (p.Val170Phe). This variant is present in population databases (rs749652842, gnomAD 0.04%). Algorithms developed to predict the effect of missense changes on protein structure and function are either unavailable or do not agree on the potential impact of this missense change (SIFT: "Deleterious"; PolyPhen-2: "Possibly Damaging"; Align-GVGD: "Class C0"). In summary, the available evidence is currently insufficient to determine the role of this variant in disease. Therefore, it has been classified as a Variant of Uncertain Significance.